The following is an entry in ClinVar:

ClinVar aggregate classification (germline): Uncertain significance (1 of 4 stars; one submission).

Conditions:
Emery-Dreifuss muscular dystrophy 5, autosomal dominant (EDMD5). Also called: EMERY-DREIFUSS MUSCULAR DYSTROPHY 5. Identifiers: Orphanet 261, MedGen C2751805, MONDO:0013072, OMIM 612999.

Submission:

Labcorp Genetics (formerly Invitae), Labcorp
Classification: Uncertain significance for Emery-Dreifuss muscular dystrophy 5, autosomal dominant. Last evaluated: 2025-01-29. Review status: criteria provided, single submitter. Criteria: Invitae Variant Classification Sherloc (09022015). Collection method: clinical testing. Allele origin: germline.
Comment: This sequence change falls in intron 65 of the SYNE2 gene. It does not directly change the encoded amino acid sequence of the SYNE2 protein. It affects a nucleotide within the consensus splice site. This variant is not present in population databases (gnomAD no frequency). This variant has not been reported in the literature in individuals affected with SYNE2-related conditions. Variants that disrupt the consensus splice site are a relatively common cause of aberrant splicing (PMID: 17576681, 9536098). Algorithms developed to predict the effect of sequence changes on RNA splicing suggest that this variant may disrupt the consensus splice site. In summary, the available evidence is currently insufficient to determine the role of this variant in disease. Therefore, it has been classified as a Variant of Uncertain Significance.

Literature cited by the submitters: PubMed 17576681; PubMed 9536098.

NM_182914.3(SYNE2):c.12609+5G>T

Gene: SYNE2 (spectrin repeat containing nuclear envelope protein 2; plus strand). Cytogenetic location: 14q23.2.
Variant type: single nucleotide variant.
Coding change: c.12609+5G>T on transcript NM_182914.3 (MANE Select); 5 bases into the intron after coding-DNA position 12609, G replaced by T.
Molecular consequence: intron variant.
Genome position (GRCh38, 1-based): chr14:64,107,612, G>T. VCF-style: chr14-64107612-G-T. GRCh37 (hg19) VCF-style: chr14-64574330-G-T.
Other names: c.12609+5G>T (NM_015180.6).
Identifiers: ClinVar variation 3675854 (VCV003675854.2).
Genomic context (GRCh38, chr14:64,107,612, plus strand): 5'-CACTAAACACTGAGCAAGGCCCAGAATGTTCCCTAAGGCCCAACCAAACAGAAGAGGTAA[G>T]TCCTGGTTGGTAATAAGTAAACTGCTCAGATAGCTGGACTAGCACCTAGAGATGACCAGT-3'